The following is an entry in ClinVar:

NM_001366385.1(CARD14):c.671A>G (p.Glu224Gly)

Gene: CARD14 (caspase recruitment domain family member 14; plus strand). Cytogenetic location: 17q25.3.
Variant type: single nucleotide variant.
Coding change: c.671A>G on transcript NM_001366385.1 (MANE Select); coding-DNA position 671, A replaced by G.
Protein change: p.Glu224Gly; replaces glutamic acid 224 with glycine.
Molecular consequence: missense variant. On other transcripts: non-coding transcript variant (1).
Genome position (GRCh38, 1-based): chr17:80,184,234, A>G. VCF-style: chr17-80184234-A-G. GRCh37 (hg19) VCF-style: chr17-78158033-A-G.
Other names: c.671A>G, p.Glu224Gly (NM_001257970.1, NM_024110.4); short protein forms E224G.
Identifiers: ClinVar variation 4784018 (VCV004784018.1).

ClinVar aggregate classification (germline): Uncertain significance (1 of 4 stars; one submission).

Conditions:
Psoriasis 2. Identifiers: MedGen C1864497, MONDO:0011269, OMIM 602723.
Pityriasis rubra pilaris (PRP). Also called: Pityriasis rubra pilaris--familial type. Identifiers: Orphanet 2897, MedGen C0032027, MONDO:0100017, OMIM 173200, MONDO:0008251.

gnomAD v4.1: 40 of 1,526,230 alleles (0.0026%); highest among the groups gnomAD compares: Non-Finnish European, 0.0033%; no homozygotes.

Submission:

Labcorp Genetics (formerly Invitae), Labcorp
Classification: Uncertain significance for Pityriasis rubra pilaris; Psoriasis 2. Last evaluated: 2025-05-01. Review status: criteria provided, single submitter. Criteria: Invitae Variant Classification Sherloc (09022015). Collection method: clinical testing. Allele origin: germline.
Comment: This sequence change replaces glutamic acid, which is acidic and polar, with glycine, which is neutral and non-polar, at codon 224 of the CARD14 protein (p.Glu224Gly). This variant is not present in population databases (gnomAD no frequency). This variant has not been reported in the literature in individuals affected with CARD14-related conditions. Invitae Evidence Modeling of protein sequence and biophysical properties (such as structural, functional, and spatial information, amino acid conservation, physicochemical variation, residue mobility, and thermodynamic stability) indicates that this missense variant is not expected to disrupt CARD14 protein function with a negative predictive value of 95%. In summary, the available evidence is currently insufficient to determine the role of this variant in disease. Therefore, it has been classified as a Variant of Uncertain Significance.